The following is an entry in ClinVar:

ClinVar aggregate classification (germline): Uncertain significance (1 of 4 stars; one submission).

Conditions:
Spermatogenic failure 18. Identifiers: MedGen C4539783, MONDO:0054615, OMIM 617576.
Ciliary dyskinesia, primary, 37 (CILD37). Also called: CILIARY DYSKINESIA, PRIMARY, 37, WITH OR WITHOUT SITUS INVERSUS. Identifiers: MedGen C4539798, MONDO:0033204, OMIM 617577.

gnomAD v4.1: 1 of 1,604,538 alleles (0.000062%); highest among the groups gnomAD compares: Non-Finnish European, 0.000085%; no homozygotes.

Submission:

Labcorp Genetics (formerly Invitae), Labcorp
Classification: Uncertain significance for Ciliary dyskinesia, primary, 37; Spermatogenic failure 18. Last evaluated: 2025-06-26. Review status: criteria provided, single submitter. Criteria: Invitae Variant Classification Sherloc (09022015). Collection method: clinical testing. Allele origin: germline.
Comment: This sequence change replaces serine, which is neutral and polar, with isoleucine, which is neutral and non-polar, at codon 649 of the DNAH1 protein (p.Ser649Ile). This variant is not present in population databases (gnomAD no frequency). This variant has not been reported in the literature in individuals affected with DNAH1-related conditions. ClinVar contains an entry for this variant (Variation ID: 2937808). An algorithm developed to predict the effect of missense changes on protein structure and function (PolyPhen-2) suggests that this variant is likely to be tolerated. In summary, the available evidence is currently insufficient to determine the role of this variant in disease. Therefore, it has been classified as a Variant of Uncertain Significance.

NM_015512.5(DNAH1):c.1946G>T (p.Ser649Ile)

Gene: DNAH1 (dynein axonemal heavy chain 1; plus strand). Cytogenetic location: 3p21.1.
Variant type: single nucleotide variant.
Coding change: c.1946G>T on transcript NM_015512.5 (MANE Select); coding-DNA position 1946, G replaced by T.
Protein change: p.Ser649Ile; replaces serine 649 with isoleucine.
Molecular consequence: missense variant.
Genome position (GRCh38, 1-based): chr3:52,346,761, G>T. VCF-style: chr3-52346761-G-T. GRCh37 (hg19) VCF-style: chr3-52380777-G-T.
Other names: short protein forms S649I.
Identifiers: ClinVar variation 2937808 (VCV002937808.3), dbSNP rs1379716951, ClinGen allele CA353094891.